The following is an entry in ClinVar:

ClinVar aggregate classification (germline): Uncertain significance (1 of 4 stars; one submission).

Conditions:
Norman-Roberts syndrome (LIS2). Also called: Lissencephaly 2 (Norman-Roberts type). Identifiers: Orphanet 89844, MedGen C0796089, MONDO:0009760, OMIM 257320.
Familial temporal lobe epilepsy 7. Identifiers: Orphanet 101046, MedGen C4225327, MONDO:0014639, OMIM 616436.

gnomAD v4.1: 5 of 1,564,876 alleles (0.00032%); highest among the groups gnomAD compares: South Asian, 0.0012%; no homozygotes.

Submission:

Labcorp Genetics (formerly Invitae), Labcorp
Classification: Uncertain significance for Familial temporal lobe epilepsy 7; Norman-Roberts syndrome. Last evaluated: 2023-08-14. Review status: criteria provided, single submitter. Criteria: Invitae Variant Classification Sherloc (09022015). Collection method: clinical testing. Allele origin: germline.
Comment: In summary, the available evidence is currently insufficient to determine the role of this variant in disease. Therefore, it has been classified as a Variant of Uncertain Significance. This sequence change replaces arginine, which is basic and polar, with tryptophan, which is neutral and slightly polar, at codon 8 of the RELN protein (p.Arg8Trp). The frequency data for this variant in the population databases is considered unreliable, as metrics indicate poor data quality at this position in the gnomAD database. This variant has not been reported in the literature in individuals affected with RELN-related conditions. Algorithms developed to predict the effect of missense changes on protein structure and function output the following: SIFT: "Not Available"; PolyPhen-2: "Benign"; Align-GVGD: "Not Available". The tryptophan amino acid residue is found in multiple mammalian species, which suggests that this missense change does not adversely affect protein function.

NM_005045.4(RELN):c.22C>T (p.Arg8Trp)

Gene: RELN (reelin; minus strand). Cytogenetic location: 7q22.1.
Variant type: single nucleotide variant.
Coding change: c.22C>T on transcript NM_005045.4 (MANE Select); coding-DNA position 22, C replaced by T.
Protein change: p.Arg8Trp; replaces arginine 8 with tryptophan.
Molecular consequence: missense variant.
Genome position (GRCh38, 1-based): chr7:103,989,335, G>A on the plus strand (C>T on the coding strand, the complement: RELN is on the minus strand). VCF-style: chr7-103989335-G-A. GRCh37 (hg19) VCF-style: chr7-103629782-G-A.
Other names: c.22C>T, p.Arg8Trp (NM_173054.3); short protein forms R8W.
Identifiers: ClinVar variation 2936552 (VCV002936552.3), dbSNP rs1470522542, ClinGen allele CA368931619.